The following is an entry in ClinVar:

ClinVar aggregate classification (germline): Uncertain significance (1 of 4 stars; one submission).

Allele frequency attached by ClinVar (database versions not stated): gnomAD exomes below 0.00001.
gnomAD v4.1: 2 of 1,613,182 alleles (0.00012%); highest among the groups gnomAD compares: African/African-American, 0.0027%; no homozygotes.

Submission:

Labcorp Genetics (formerly Invitae), Labcorp
Classification: Uncertain significance. Last evaluated: 2023-01-11. Review status: criteria provided, single submitter. Criteria: Invitae Variant Classification Sherloc (09022015). Collection method: clinical testing. Allele origin: germline.
Comment: Advanced modeling of protein sequence and biophysical properties (such as structural, functional, and spatial information, amino acid conservation, physicochemical variation, residue mobility, and thermodynamic stability) performed at Invitae indicates that this missense variant is not expected to disrupt SLC1A2 protein function. In summary, the available evidence is currently insufficient to determine the role of this variant in disease. Therefore, it has been classified as a Variant of Uncertain Significance. This variant has not been reported in the literature in individuals affected with SLC1A2-related conditions. This variant is not present in population databases (gnomAD no frequency). This sequence change replaces histidine, which is basic and polar, with arginine, which is basic and polar, at codon 508 of the SLC1A2 protein (p.His508Arg).

NM_004171.4(SLC1A2):c.1523A>G (p.His508Arg)

Gene: SLC1A2 (solute carrier family 1 member 2; minus strand). Cytogenetic location: 11p13.
Variant type: single nucleotide variant.
Coding change: c.1523A>G on transcript NM_004171.4 (MANE Select); coding-DNA position 1523, A replaced by G.
Protein change: p.His508Arg; replaces histidine 508 with arginine.
Molecular consequence: missense variant.
Genome position (GRCh38, 1-based): chr11:35,265,657, T>C on the plus strand (A>G on the coding strand, the complement: SLC1A2 is on the minus strand). VCF-style: chr11-35265657-T-C. GRCh37 (hg19) VCF-style: chr11-35287204-T-C.
Other names: c.1496A>G, p.His499Arg (NM_001195728.3, NM_001252652.2); short protein forms H508R, H499R.
Identifiers: ClinVar variation 2827756 (VCV002827756.3), dbSNP rs2497619200, ClinGen allele CA380118844.